The following is an entry in ClinVar:

ClinVar aggregate classification (germline): Likely benign (0 of 4 stars; one submission).

Conditions:
TBC1D1-related disorder. Also called: TBC1D1-related condition.

gnomAD v4.1: 14 of 1,611,230 alleles (0.00087%); highest among the groups gnomAD compares: East Asian, 0.0045%; no homozygotes.

Submission:

PreventionGenetics, part of Exact Sciences
Classification: Likely benign for TBC1D1-related condition. Last evaluated: 2019-05-28. Review status: no assertion criteria provided. Collection method: clinical testing. Allele origin: germline.
Comment: This variant is classified as likely benign based on ACMG/AMP sequence variant interpretation guidelines (Richards et al. 2015 PMID: 25741868, with internal and published modifications).

NM_001396959.1(TBC1D1):c.2823G>A (p.Ala941=)

Gene: TBC1D1 (TBC1 domain family member 1; plus strand). Cytogenetic location: 4p14.
Variant type: single nucleotide variant.
Coding change: c.2823G>A on transcript NM_001396959.1 (MANE Select); coding-DNA position 2823, G replaced by A.
Protein change: p.Ala941=; no amino-acid change (alanine 941 retained).
Molecular consequence: synonymous variant.
Genome position (GRCh38, 1-based): chr4:38,103,141, G>A. VCF-style: chr4-38103141-G-A. GRCh37 (hg19) VCF-style: chr4-38104762-G-A.
Other names: c.2823G>A, p.Ala941= (NM_001253912.2); c.2541G>A, p.Ala847= (NM_015173.4).
Identifiers: ClinVar variation 3039305 (VCV003039305.2), dbSNP rs146364167, ClinGen allele CA95575308.